The following is an entry in ClinVar:

NM_001177693.2(ARHGEF28):c.561G>T (p.Gly187=)

Gene: ARHGEF28 (Rho guanine nucleotide exchange factor 28; plus strand). Cytogenetic location: 5q13.2.
Variant type: single nucleotide variant.
Coding change: c.561G>T on transcript NM_001177693.2 (MANE Select); coding-DNA position 561, G replaced by T.
Protein change: p.Gly187=; no amino-acid change (glycine 187 retained).
Molecular consequence: synonymous variant.
Genome position (GRCh38, 1-based): chr5:73,773,940, G>T. VCF-style: chr5-73773940-G-T. GRCh37 (hg19) VCF-style: chr5-73069765-G-T.
Other names: c.561G>T, p.Gly187= (NM_001080479.3, NM_001388078.1); c.267G>T, p.Gly89= (NM_001388076.1).
Identifiers: ClinVar variation 3058758 (VCV003058758.2), dbSNP rs565461504, ClinGen allele CA3304217.

ClinVar aggregate classification (germline): Likely benign (0 of 4 stars; one submission).

Conditions:
ARHGEF28-related disorder. Also called: ARHGEF28-related condition.

Allele frequency attached by ClinVar (database versions not stated): gnomAD 0.00001; ExAC 0.00011; 1000 Genomes Project 30x 0.00016; 1000 Genomes Project 0.00020.
gnomAD v4.1: 33 of 1,607,716 alleles (0.0021%); highest among the groups gnomAD compares: South Asian, 0.032%; no homozygotes.

Submission:

PreventionGenetics, part of Exact Sciences
Classification: Likely benign for ARHGEF28-related condition. Last evaluated: 2019-04-08. Review status: no assertion criteria provided. Collection method: clinical testing. Allele origin: germline.
Comment: This variant is classified as likely benign based on ACMG/AMP sequence variant interpretation guidelines (Richards et al. 2015 PMID: 25741868, with internal and published modifications).